The following is an entry in ClinVar:

ClinVar aggregate classification (germline): Pathogenic (1 of 4 stars; one submission).

Submission:

Labcorp Genetics (formerly Invitae), Labcorp
Classification: Pathogenic. Last evaluated: 2025-10-01. Review status: criteria provided, single submitter. Criteria: Invitae Variant Classification Sherloc (09022015). Collection method: clinical testing. Allele origin: germline.
Comment: This sequence change creates a premature translational stop signal (p.Pro370Leufs*10) in the BCS1L gene. While this is not anticipated to result in nonsense mediated decay, it is expected to disrupt the last 50 amino acid(s) of the BCS1L protein. This variant is not present in population databases (gnomAD no frequency). This variant has not been reported in the literature in individuals affected with BCS1L-related conditions. ClinVar contains an entry for this variant (Variation ID: 3623355). This variant disrupts a region of the BCS1L protein in which other variant(s) (p.Met401Asnfs*4) have been determined to be pathogenic (PMID: 24236502). This suggests that this is a clinically significant region of the protein, and that variants that disrupt it are likely to be disease-causing. For these reasons, this variant has been classified as Pathogenic.

Literature cited by the submitters: PubMed 24236502.

NM_001079866.2(BCS1L):c.1105_1108dup (p.Pro370fs)

Gene: BCS1L (BCS1 ubiquinol-cytochrome c reductase complex chaperone; plus strand). Cytogenetic location: 2q35.
Variant type: Duplication.
Coding change: c.1105_1108dup on transcript NM_001079866.2 (MANE Select); coding-DNA positions 1105 to 1108, 4 bases duplicated (TATC; older notation c.1105_1108dupTATC).
Protein change: p.Pro370fs; shifts the reading frame from proline 370.
Molecular consequence: frameshift variant. On other transcripts: non-coding transcript variant (1).
Genome position (GRCh38, 1-based): chr2:218,663,231-218,663,234, TATC duplicated; duplicating any 4 consecutive bases within chr2:218,663,229-218,663,234 gives the same sequence; the c. name uses the placement nearest the transcript's 3' end. VCF-style (leftmost placement, unchanged base first): chr2-218663228-T-TTCTA. GRCh37 (hg19) VCF-style: chr2-219527951-T-TTCTA.
Other names: c.1105_1108dup, p.Pro370fs (NM_001257342.2, NM_001257343.2, NM_001257344.2 and 10 more transcripts); c.745_748dup, p.Pro250fs (NM_001318836.2, NM_001371451.1); c.604_607dup, p.Pro203fs (NM_001371452.1, NM_001371453.1, NM_001371454.1 and 3 more transcripts); short protein forms P203fs, P250fs, P370fs.
Identifiers: ClinVar variation 3623355 (VCV003623355.2).